The following is an entry in ClinVar:

ClinVar aggregate classification (germline): Likely pathogenic. Review status: criteria provided, single submitter (1 of 4 stars). 2 submissions from 2 submitters: Likely pathogenic (1). 1 of the submissions does not count toward it. Last evaluated 2021-05-06.

Conditions:
Renal cysts and diabetes syndrome (RCAD). Also called: MATURITY-ONSET DIABETES OF THE YOUNG, TYPE 5; Familial hypoplastic, glomerulocystic kidney. Identifiers: Orphanet 93111, MedGen C0431693, MONDO:0007669, OMIM 137920.

Submissions (2):

Victorian Clinical Genetics Services, Murdoch Childrens Research Institute
Classification: Likely pathogenic for Renal cysts and diabetes syndrome. Last evaluated: 2021-05-06. Review status: criteria provided, single submitter. Criteria: ACMG Guidelines, 2015. Collection method: clinical testing. Allele origin: germline. Inheritance: Autosomal dominant inheritance. Affected: yes.
Comment: Based on the classification scheme VCGS_Germline_v1.3.4, this variant is classified as Likely pathogenic. Following criteria are met: 0103 - Dominant negative, loss of function and gain of function are reported mechanisms of disease in this gene and are associated with diabetes mellitus, non insulin-dependent (MIM#125853) and renal cysts and diabetes syndrome (MIM#137920) (OMIM, PMID: 27615128). (I) 0107 - This gene is associated with autosomal dominant disease. (I) 0115 - Variants in this gene are known to have variable expressivity. Variable types and age of onset of renal disease have been associated with HNF1B variants (PMID: 29764441). 0200 - Variant is predicted to result in a missense amino acid change from methione to threonine. (I) 0251 - This variant is heterozygous. (I) 0301 - Variant is absent from gnomAD (both v2 and v3). (SP) 0501 - Missense variant consistently predicted to be damaging by multiple in silico tools or highly conserved with a major amino acid change. (SP) 0600 - Variant is located in the annotated DNA-binding domain (PMID: 25536396). (I) 0703 - Other missense variants comparable to the one identified in this case have moderate previous evidence for pathogenicity. One alternative change to a valine has been reported as pathogenic in multiple unrelated individuals with renal conditions or diabete mellitus (ClinVar, PMID: 22034641, 25367728). Another alternative change to an arginine has been reported once as VUS in ClinVar. (SP) 0807 - This variant has no previous evidence of pathogenicity. (I) 0905 - No published segregation evidence has been identified for this variant. (I) 1007 - No published functional evidence has been identified for this variant. (I) 1208 - Inheritance information for this variant is not currently available in this individual. (I) Legend: (SP) - Supporting pathogenic, (I) - Information, (SB) - Supporting benign

Clinical Lab of Department of Pediatrics, The Jikei University School of Medicine
Classification: Pathogenic for Renal cysts and diabetes syndrome. Review status: no assertion criteria provided. Collection method: clinical testing. Allele origin: germline. Affected: yes. Observed: 1 variant allele, 1 heterozygote. Not counted in ClinVar's aggregate classification.

Literature cited by the submitters: PubMed 22034641 (cited by Victorian Clinical Genetics Services, Murdoch Childrens Research Institute and Clinical Lab of Department of Pediatrics, The Jikei University School of Medicine); PubMed 25367728 (cited by Victorian Clinical Genetics Services, Murdoch Childrens Research Institute); PubMed 25536396 (cited by Victorian Clinical Genetics Services, Murdoch Childrens Research Institute); PubMed 27615128 (cited by Victorian Clinical Genetics Services, Murdoch Childrens Research Institute); PubMed 29764441 (cited by Victorian Clinical Genetics Services, Murdoch Childrens Research Institute).

NM_000458.4(HNF1B):c.479T>C (p.Met160Thr)

Gene: HNF1B (HNF1 homeobox B; minus strand). Cytogenetic location: 17q12.
Variant type: single nucleotide variant.
Coding change: c.479T>C on transcript NM_000458.4 (MANE Select); coding-DNA position 479, T replaced by C.
Protein change: p.Met160Thr; replaces methionine 160 with threonine.
Molecular consequence: missense variant.
Genome position (GRCh38, 1-based): chr17:37,739,505, A>G on the plus strand (T>C on the coding strand, the complement: HNF1B is on the minus strand). VCF-style: chr17-37739505-A-G. GRCh37 (hg19) VCF-style: chr17-36099496-A-G.
Other names: c.479T>C, p.Met160Thr (NM_001165923.4, NM_001304286.2, NM_001411100.1); short protein forms M160T.
Identifiers: ClinVar variation 1804958 (VCV001804958.2), dbSNP rs886043903, ClinGen allele CA398751302.